The following is an entry in ClinVar:

NM_003070.5(SMARCA2):c.517C>T (p.Pro173Ser)

Gene: SMARCA2 (SWI/SNF related BAF chromatin remodeling complex subunit ATPase 2; plus strand). Cytogenetic location: 9p24.3.
Variant type: single nucleotide variant.
Coding change: c.517C>T on transcript NM_003070.5 (MANE Select); coding-DNA position 517, C replaced by T.
Protein change: p.Pro173Ser; replaces proline 173 with serine.
Molecular consequence: missense variant.
Genome position (GRCh38, 1-based): chr9:2,039,627, C>T. VCF-style: chr9-2039627-C-T. GRCh37 (hg19) VCF-style: chr9-2039627-C-T.
Other names: c.517C>T, p.Pro173Ser (NM_001289396.2, NM_001289397.2, NM_139045.4); short protein forms P173S.
Identifiers: ClinVar variation 914908 (VCV000914908.4), dbSNP rs768229159, ClinGen allele CA4962875.

ClinVar aggregate classification (germline): Benign (1 of 4 stars; one submission).

Conditions:
Nicolaides-Baraitser syndrome (NCBRS). Also called: SMARCA2-Related Nicolaides-Baraitser Syndrome; Intellectual disability-sparse hair-brachydactyly syndrome. Identifiers: Orphanet 3051, MedGen C1303073, MONDO:0011053, OMIM 601358.

Allele frequency attached by ClinVar (database versions not stated): gnomAD below 0.00001 and 0.00002.
gnomAD v4.1: 108 of 1,614,220 alleles (0.0067%); highest among the groups gnomAD compares: South Asian, 0.11%; no homozygotes.

Submission:

Illumina Laboratory Services, Illumina
Classification: Benign for Nicolaides-Baraitser syndrome. Last evaluated: 2018-01-12. Review status: criteria provided, single submitter. Criteria: ICSL Variant Classification Criteria 13 December 2019. Collection method: clinical testing. Allele origin: germline.
Comment: This variant was observed in the ICSL laboratory as part of a predisposition screen in an ostensibly healthy population. It had not been previously curated by ICSL or reported in the Human Gene Mutation Database (HGMD: prior to June 1st, 2018), and was therefore a candidate for classification through an automated scoring system. Utilizing variant allele frequency, disease prevalence and penetrance estimates, and inheritance mode, an automated score was calculated to assess if this variant is too frequent to cause the disease. Based on the score and internal cut-off values, a variant classified as benign is not then subjected to further curation. The score for this variant resulted in a classification of benign for this disease.